The following is an entry in ClinVar:

ClinVar aggregate classification (germline): Uncertain significance. Review status: criteria provided, multiple submitters, no conflicts (2 of 4 stars). 3 submissions from 3 submitters: Uncertain significance (2). 1 of the submissions does not count toward it. Last evaluated 2019-11-08.

Conditions:
Familial long QT syndrome (RWS). Also called: Congenital long QT syndrome; Romano-Ward syndrome; VENTRICULAR FIBRILLATION WITH PROLONGED QT INTERVAL. Identifiers: Orphanet 768, MedGen C1141890, MONDO:0019171.
Long QT syndrome (LQTS). Identifiers: MedGen C0023976, MeSH D008133, MONDO:0002442. Disease mechanism: loss of function. Inheritance: Various modes of inheritance.

Submissions (3):

GeneDx
Classification: Uncertain significance. Last evaluated: 2019-11-08. Review status: criteria provided, single submitter. Criteria: GeneDx Variant Classification Process June 2021. Collection method: clinical testing. Allele origin: germline. Affected: yes.
Comment: Reported in association with LQTS (Napolitano et al., 2005); Not observed in large population cohorts (Lek et al., 2016); In silico analysis, which includes protein predictors and evolutionary conservation, supports a deleterious effect; This variant is associated with the following publications: (PMID: 16414944)

Labcorp Genetics (formerly Invitae), Labcorp
Classification: Uncertain significance for Long QT syndrome. Last evaluated: 2018-10-18. Review status: criteria provided, single submitter. Criteria: Invitae Variant Classification Sherloc (09022015). Collection method: clinical testing. Allele origin: germline.
Comment: This sequence change replaces arginine with proline at codon 192 of the KCNQ1 protein (p.Arg192Pro). The arginine residue is highly conserved and there is a moderate physicochemical difference between arginine and proline. This variant is not present in population databases (ExAC no frequency). In summary, the available evidence is currently insufficient to determine the role of this variant in disease. Therefore, it has been classified as a Variant of Uncertain Significance. Algorithms developed to predict the effect of missense changes on protein structure and function (SIFT, PolyPhen-2, Align-GVGD) all suggest that this variant is likely to be disruptive, but these predictions have not been confirmed by published functional studies and their clinical significance is uncertain. This variant has been observed in an individual affected with long QT syndrome (PMID: 16414944). ClinVar contains an entry for this variant (Variation ID: 53073).

Cardiovascular Biomedical Research Unit, Royal Brompton & Harefield NHS Foundation Trust
No classification provided. Condition: Familial long QT syndrome. Review status: no classification provided. Collection method: literature only. Allele origin: germline. Not counted in ClinVar's aggregate classification.
Comment: This variant has been reported as associated with Long QT syndrome in the following publications (PMID:16414944). This is a literature report, and does not necessarily reflect the clinical interpretation of the Imperial College / Royal Brompton Cardiovascular Genetics laboratory.

Literature cited by the submitters: PubMed 16414944 (cited by Labcorp Genetics (formerly Invitae), Labcorp and Cardiovascular Biomedical Research Unit, Royal Brompton & Harefield NHS Foundation Trust); PubMed 22581653 (cited by Cardiovascular Biomedical Research Unit, Royal Brompton & Harefield NHS Foundation Trust).

NM_000218.3(KCNQ1):c.575G>C (p.Arg192Pro)

Gene: KCNQ1 (potassium voltage-gated channel subfamily Q member 1; plus strand). Cytogenetic location: 11p15.5.
Variant type: single nucleotide variant.
Coding change: c.575G>C on transcript NM_000218.3 (MANE Select); coding-DNA position 575, G replaced by C.
Protein change: p.Arg192Pro; replaces arginine 192 with proline.
Molecular consequence: missense variant.
Genome position (GRCh38, 1-based): chr11:2,570,725, G>C. VCF-style: chr11-2570725-G-C. GRCh37 (hg19) VCF-style: chr11-2591955-G-C.
Other names: c.575G>C (LRG_287t1); c.575G>C, p.Arg192Pro (NM_001406836.1); c.305G>C, p.Arg102Pro (NM_001406837.1); c.194G>C, p.Arg65Pro (NM_181798.2); short protein forms R192P, R65P, R102P.
Identifiers: ClinVar variation 53073 (VCV000053073.10), dbSNP rs199472698, ClinGen allele CA007599.